The following is an entry in ClinVar:

NM_198123.2(CSMD3):c.39A>T (p.Glu13Asp)

Gene: CSMD3 (CUB and Sushi multiple domains 3; minus strand). Cytogenetic location: 8q23.3.
Variant type: single nucleotide variant.
Coding change: c.39A>T on transcript NM_198123.2 (MANE Select); coding-DNA position 39, A replaced by T.
Protein change: p.Glu13Asp; replaces glutamic acid 13 with aspartic acid.
Molecular consequence: missense variant.
Genome position (GRCh38, 1-based): chr8:113,436,816, T>A on the plus strand (A>T on the coding strand, the complement: CSMD3 is on the minus strand). VCF-style: chr8-113436816-T-A. GRCh37 (hg19) VCF-style: chr8-114449045-T-A.
Other names: c.39A>T, p.Glu13Asp (NM_001363185.1, NM_052900.3); short protein forms E13D.
Identifiers: ClinVar variation 2658766 (VCV002658766.24), dbSNP rs200851733, ClinGen allele CA4851397.
Genomic context (GRCh38, chr8:113,436,816, plus strand): 5'-GATGAAGTCTAGGCGGCCACATTTAGCGCATCTTCGCTTGCCAGGCTCCCAGGGTTTGGA[T>A]TCCTTTGCTCGGCTTTCCCCTTTGCGGATCCCTTTCATATTATTCGCGAGCTCCTAATTC-3'
Protein context (NP_937756.1, residues 3-23): GIRKGESRAK[Glu13Asp]SKPWEPGKRR

ClinVar aggregate classification (germline): Likely benign (1 of 4 stars; one submission).

Allele frequency attached by ClinVar (database versions not stated): 1000 Genomes Project 30x 0.00031; 1000 Genomes Project 0.00040; ESP Exome Variant Server 0.00062; ExAC 0.00109; gnomAD 0.00129.
gnomAD v4.1: 1,408 of 1,614,166 alleles (0.087%); highest among the groups gnomAD compares: Non-Finnish European, 0.078%; 4 homozygotes.

Submission:

CeGaT Center for Human Genetics Tuebingen
Classification: Likely benign. Last evaluated: 2022-08-01. Review status: criteria provided, single submitter. Criteria: CeGaT Center For Human Genetics Tuebingen Variant Classification Criteria Version 2. Collection method: clinical testing. Allele origin: germline. Affected: yes. Observed: 1 variant allele.
Comment: CSMD3: BP4